The following is an entry in ClinVar:

ClinVar aggregate classification (germline): Likely pathogenic (1 of 4 stars; one submission).

Conditions:
alpha Thalassemia. Also called: Alpha thalassemia spectrum. Identifiers: Orphanet 846, MedGen C0002312, MONDO:0011399, OMIM 604131.

Submission:

Natera, Inc.
Classification: Likely pathogenic for Alpha thalassemia. Last evaluated: 2025-09-06. Review status: criteria provided, single submitter. Criteria: Natera Variant Classification Schema (03/2026). Collection method: clinical testing. Allele origin: germline.
Comment: The c.96-44_105del variant in HBA1 is a deletion affecting a canonical splice acceptor site. This variant is expected to result in nonsense mediated decay, truncation, or a dysfunctional protein product. This variant is rare in the general population with a frequency below the threshold expected for the associated phenotype(s). Given the available evidence, this variant is classified as Likely Pathogenic.

NM_000558.5(HBA1):c.96-44_105del

Genes: HBA1 (hemoglobin subunit alpha 1; plus strand), LOC106804613 (hemoglobin subunit alpha 1 recombination region; plus strand). Cytogenetic location: 16p13.3.
Variant type: Deletion.
Coding change: c.96-44_105del on transcript NM_000558.5 (MANE Select); 44 bases into the intron before coding-DNA position 96 through coding-DNA position 105, 54 bases deleted.
Molecular consequence: splice acceptor variant.
Genome position (GRCh38, 1-based): chr16:176,885-176,938, 54 bases deleted. GRCh37 (hg19): chr16:226,884-226,937.
Identifiers: ClinVar variation 4814427 (VCV004814427.1).